The following is an entry in ClinVar:

ClinVar aggregate classification (germline): Benign/Likely benign. Review status: criteria provided, multiple submitters, no conflicts (2 of 4 stars). 11 submissions from 11 submitters: Benign (2); Likely benign (9). Last evaluated 2026-08-11.

Conditions:
MYBPC3-related disorder. Also called: MYBPC3-related disorders; MYBPC3-related condition; MYBPC3-related disease.
Cardiovascular phenotype. Identifiers: MedGen CN230736.
Cardiomyopathy (CMYO). Also called: Cardiomyopathies. Identifiers: Orphanet 167848, MedGen C0878544, MONDO:0004994, HP:0001638. Inheritance: Various modes of inheritance.
Hypertrophic cardiomyopathy. Also called: HYPERTROPHIC MYOCARDIOPATHY. Identifiers: Orphanet 217569, MedGen C0007194, MeSH D002312, MONDO:0005045, HP:0001639.

Allele frequency attached by ClinVar (database versions not stated): gnomAD 0.00010; 1000 Genomes Project 30x 0.00016; ESP Exome Variant Server 0.00016; TOPMed 0.00018.
gnomAD v4.1: 134 of 1,561,618 alleles (0.0086%); highest among the groups gnomAD compares: East Asian, 0.086%; no homozygotes.

Submissions (11):

PreventionGenetics, part of Exact Sciences
Classification: Likely benign for MYBPC3-related condition. Last evaluated: 2026-08-11. Review status: criteria provided, single submitter. Criteria: ACMG Guidelines, 2015. Collection method: clinical testing. Allele origin: germline.
Comment: This variant is classified as likely benign based on ACMG/AMP sequence variant interpretation guidelines (Richards et al. 2015 PMID: 25741868, with internal and published modifications).

Labcorp Genetics (formerly Invitae), Labcorp
Classification: Likely benign for Hypertrophic cardiomyopathy. Last evaluated: 2026-01-14. Review status: criteria provided, single submitter. Criteria: Invitae Variant Classification Sherloc (09022015). Collection method: clinical testing. Allele origin: germline.

Women's Health and Genetics/Laboratory Corporation of America, LabCorp
Classification: Likely benign. Last evaluated: 2025-03-31. Review status: criteria provided, single submitter. Criteria: LabCorp Variant Classification Summary - May 2015. Collection method: clinical testing. Allele origin: germline.

ARUP Laboratories, Molecular Genetics and Genomics, ARUP Laboratories
Classification: Benign. Last evaluated: 2025-02-25. Review status: criteria provided, single submitter. Criteria: ARUP Molecular Germline Variant Investigation Process 2024. Collection method: clinical testing. Allele origin: germline.

Blueprint Genetics
Classification: Likely benign. Last evaluated: 2024-10-15. Review status: criteria provided, single submitter. Criteria: ACMG Guidelines, 2015. Collection method: clinical testing. Allele origin: germline.

All of Us Research Program, National Institutes of Health
Classification: Likely benign for Hypertrophic cardiomyopathy. Last evaluated: 2024-02-05. Review status: criteria provided, single submitter. Criteria: ACMG Guidelines, 2015. Collection method: clinical testing. Allele origin: germline. Inheritance: Autosomal dominant inheritance. Observed: 14 variant alleles, 14 heterozygotes.
Comment: This study involves interpretation of variants in research participants for the purpose of population health screening. Participant phenotype was not available at the time of variant classification. Additional details can be found in publication PMID: 35346344, PMCID: PMC8962531

Molecular Diagnostic Laboratory for Inherited Cardiovascular Disease, Montreal Heart Institute
Classification: Likely benign. Last evaluated: 2020-02-13. Review status: criteria provided, single submitter. Criteria: ACMG Guidelines, 2015. Collection method: clinical testing. Allele origin: germline. Affected: yes.

Color Diagnostics, LLC DBA Color Health
Classification: Likely benign for Cardiomyopathy. Last evaluated: 2018-04-22. Review status: criteria provided, single submitter. Criteria: ACMG Guidelines, 2015. Collection method: clinical testing. Allele origin: germline.

Ambry Genetics
Classification: Likely benign for Cardiovascular phenotype. Last evaluated: 2015-06-16. Review status: criteria provided, single submitter. Criteria: Ambry Variant Classification Scheme 2023. Collection method: clinical testing. Allele origin: germline.

GeneDx
Classification: Benign. Last evaluated: 2014-02-20. Review status: criteria provided, single submitter. Criteria: GeneDx Variant Classification (06012015). Collection method: clinical testing. Allele origin: germline. Affected: yes.
Comment: This variant is considered likely benign or benign based on one or more of the following criteria: it is a conservative change, it occurs at a poorly conserved position in the protein, it is predicted to be benign by multiple in silico algorithms, and/or has population frequency not consistent with disease.

Laboratory for Molecular Medicine, Mass General Brigham Personalized Medicine
Classification: Likely benign. Last evaluated: 2012-04-04. Review status: criteria provided, single submitter. Criteria: LMM Criteria. Collection method: clinical testing. Allele origin: germline. Observed: 2 variant alleles.
Comment: Pro150Pro in exon 4 of MYBPC3: This variant is not expected to have clinical sig nificance because it does not alter an amino acid and is not located in the spli ce consensus sequence. This variant has been identified in 1/6698 European Ameri can chromosomes and 1/3314 African American chromosomes from a broad population by the NHLBI Exome Sequencing Project. Pro1 50Pro in exon 4 of MYBPC3 (allele frequency = 1/6698) **

NM_000256.3(MYBPC3):c.450C>T (p.Pro150=)

Gene: MYBPC3 (myosin binding protein C3; minus strand). Cytogenetic location: 11p11.2.
Variant type: single nucleotide variant.
Coding change: c.450C>T on transcript NM_000256.3 (MANE Select); coding-DNA position 450, C replaced by T.
Protein change: p.Pro150=; no amino-acid change (proline 150 retained).
Molecular consequence: synonymous variant.
Genome position (GRCh38, 1-based): chr11:47,350,069, G>A on the plus strand (C>T on the coding strand, the complement: MYBPC3 is on the minus strand). VCF-style: chr11-47350069-G-A. GRCh37 (hg19) VCF-style: chr11-47371620-G-A.
Other names: p.P150P:CCC>CCT.
Identifiers: ClinVar variation 42753 (VCV000042753.27), dbSNP rs377520770, ClinGen allele CA015118.
Genomic context (GRCh38, chr11:47,350,069, plus strand): 5'-CTCACCCACGGTCACCTCGCCATCCTGTGGCCGCATCACGAAGAGGCCAATGGGGTCATC[G>A]GGGGCTCCAGGGGTAGGACCATTGAGAGCTGCTGAGCTTGACCCTGTGAGCAAAGGCTTT-3'
Protein context (NP_000247.2, residues 140-160): AALNGPTPGA[Pro150=]DDPIGLFVMR